The following is an entry in ClinVar:

ClinVar aggregate classification (germline): Uncertain significance (1 of 4 stars; one submission).

Conditions:
Wilms tumor 1 (WT1). Also called: Wilms tumor, somatic. Identifiers: Orphanet 654, MedGen CN033288, MONDO:0008679, OMIM 194070.

Submission:

Labcorp Genetics (formerly Invitae), Labcorp
Classification: Uncertain significance for Wilms tumor 1. Last evaluated: 2023-03-31. Review status: criteria provided, single submitter. Criteria: Invitae Variant Classification Sherloc (09022015). Collection method: clinical testing. Allele origin: germline.
Comment: In summary, the available evidence is currently insufficient to determine the role of this variant in disease. Therefore, it has been classified as a Variant of Uncertain Significance. Experimental studies and prediction algorithms are not available or were not evaluated, and the functional significance of this variant is currently unknown. This variant has not been reported in the literature in individuals affected with GPC3-related conditions. This variant is not present in population databases (gnomAD no frequency). This variant, c.355_357del, results in the deletion of 1 amino acid(s) of the GPC3 protein (p.Val119del), but otherwise preserves the integrity of the reading frame.

NM_004484.4(GPC3):c.352GTT[1] (p.Val119del)

Gene: GPC3 (glypican 3; minus strand). Cytogenetic location: Xq26.2.
Variant type: Microsatellite.
Coding change: c.352GTT[1] on transcript NM_004484.4 (MANE Select); one copy of the 3-base unit GTT starting at c.352; the reference has two copies in a row; one copy, 3 bases deleted.
Protein change: p.Val119del; deletes valine 119.
Molecular consequence: inframe deletion.
Genome position (GRCh38, 1-based): chrX:133,754,157-133,754,159, AAC deleted on the plus strand (GTT on the coding strand, the reverse complement: GPC3 is on the minus strand); deleting any 3 consecutive bases within chrX:133,754,157-133,754,164 gives the same sequence; the position shown is the placement nearest the transcript's 3' end. VCF-style (leftmost placement, unchanged base first): chrX-133754156-GAAC-G. GRCh37 (hg19) VCF-style: chrX-132888183-GAAC-G.
Other names: c.352GTT[1], p.Val119del (NM_001164617.2); c.304GTT[1], p.Val103del (NM_001164618.2); c.190GTT[1], p.Val65del (NM_001164619.2); short protein forms V103del, V65del, V119del.
Identifiers: ClinVar variation 2838428 (VCV002838428.3), dbSNP rs2521359043, ClinGen allele CA2739273787.
Genomic context (GRCh38, chrX:133,754,156, plus strand): 5'-GTGGAGTCAGGCTTGGGTAGTTGTTCTTGAACATGGCATTGGTGTAGTTCTTGGCATGGC[GAAC>G]AACAATTTCAAAGGCCTCTGTAAAAAAAAAAAAAAAAGAGACACAAAAATGTGTACAAAT-3'